The following is an entry in ClinVar:

ClinVar aggregate classification (germline): Likely benign (1 of 4 stars; one submission).

Conditions:
Hennekam lymphangiectasia-lymphedema syndrome 1 (HKLLS1). Also called: LYMPHATIC DYSPLASIA, GENERALIZED. Identifiers: Orphanet 2136, MedGen C4012050, MONDO:0009337, OMIM 235510.

Allele frequency attached by ClinVar (database versions not stated): 1000 Genomes Project 0.00220; 1000 Genomes Project 30x 0.00250; gnomAD 0.00465 and 0.00485; TOPMed 0.00496.

Submission:

Illumina Laboratory Services, Illumina
Classification: Likely benign for Hennekam lymphangiectasia-lymphedema syndrome 1. Last evaluated: 2018-01-12. Review status: criteria provided, single submitter. Criteria: ICSL Variant Classification Criteria 13 December 2019. Collection method: clinical testing. Allele origin: germline.
Comment: This variant was observed in the ICSL laboratory as part of a predisposition screen in an ostensibly healthy population. It had not been previously curated by ICSL or reported in the Human Gene Mutation Database (HGMD: prior to June 1st, 2018), and was therefore a candidate for classification through an automated scoring system. Utilizing variant allele frequency, disease prevalence and penetrance estimates, and inheritance mode, an automated score was calculated to assess if this variant is too frequent to cause the disease. Based on the score and internal cut-off values, a variant classified as likely benign is not then subjected to further curation. The score for this variant resulted in a classification of likely benign for this disease.

NM_133459.4(CCBE1):c.*2460T>C

Gene: CCBE1 (collagen and calcium binding EGF domains 1; minus strand). Cytogenetic location: 18q21.32.
Variant type: single nucleotide variant.
Coding change: c.*2460T>C on transcript NM_133459.4 (MANE Select); 2460 bases downstream of the stop codon, T replaced by C.
Molecular consequence: 3 prime UTR variant.
Genome position (GRCh38, 1-based): chr18:59,433,448, A>G on the plus strand (T>C on the coding strand, the complement: CCBE1 is on the minus strand). VCF-style: chr18-59433448-A-G. GRCh37 (hg19) VCF-style: chr18-57100680-A-G.
Other names: c.*2460T>C (LRG_1209t1).
Identifiers: ClinVar variation 327637 (VCV000327637.5), dbSNP rs76216795, ClinGen allele CA10641964.